The following is an entry in ClinVar:

ClinVar aggregate classification (germline): Uncertain significance (1 of 4 stars; one submission).

Conditions:
Developmental and epileptic encephalopathy, 46 (DEE46). Also called: Epileptic encephalopathy, early infantile, 46; GRIN2D-Related Developmental and Epileptic Encephalopathy. Identifiers: MedGen C4310687, MONDO:0014947, OMIM 617162.

gnomAD v4.1: 1 of 1,348,646 alleles (0.000074%); no homozygotes.

Submission:

Neuberg Centre For Genomic Medicine, NCGM
Classification: Uncertain significance for Developmental and epileptic encephalopathy, 46. Last evaluated: 2024-02-01. Review status: criteria provided, single submitter. Criteria: ACMG Guidelines, 2015. Collection method: clinical testing. Allele origin: germline. Inheritance: Autosomal dominant inheritance.
Comment: The amino acid Thr at position 153 is changed to a Arg changing protein sequence and it might alter its composition and physico-chemical properties. For these reasons, this variant has been classified as uncertain significance.

NM_000836.4(GRIN2D):c.458C>G (p.Thr153Arg)

Genes: GRIN2D (glutamate ionotropic receptor NMDA type subunit 2D; plus strand), LOC130064856 (ATAC-STARR-seq lymphoblastoid silent region 10880; plus strand). Cytogenetic location: 19q13.33.
Variant type: single nucleotide variant.
Coding change: c.458C>G on transcript NM_000836.4 (MANE Select); coding-DNA position 458, C replaced by G.
Protein change: p.Thr153Arg; replaces threonine 153 with arginine.
Molecular consequence: missense variant.
Genome position (GRCh38, 1-based): chr19:48,398,850, C>G. VCF-style: chr19-48398850-C-G. GRCh37 (hg19) VCF-style: chr19-48902107-C-G.
Other names: short protein forms T153R.
Identifiers: ClinVar variation 3897981 (VCV003897981.1).